The following is an entry in ClinVar:

ClinVar aggregate classification (germline): not provided (0 of 4 stars; one submission).

Conditions:
Lipid proteinosis. Also called: lipoid proteinosis; Lipoid Proteinosis of Urbach and Wiethe; Urbach Wiethe disease; HYALINOSIS CUTIS ET MUCOSAE. Identifiers: Orphanet 530, MedGen C0023795, MONDO:0009530, OMIM 247100.

Submission:

GeneReviews
No classification provided. Condition: Lipid proteinosis. Review status: no classification provided. Collection method: literature only. Allele origin: germline.
Comment: In Chinese families [Zhang et al 2014]

Literature cited by the submitters: PubMed 24708644; PubMed 26803878.

NM_004425.4(ECM1):c.658T>G (p.Cys220Gly)

Gene: ECM1 (extracellular matrix protein 1; plus strand). Cytogenetic location: 1q21.2.
Variant type: single nucleotide variant.
Coding change: c.658T>G on transcript NM_004425.4 (MANE Select); coding-DNA position 658, T replaced by G.
Protein change: p.Cys220Gly; replaces cysteine 220 with glycine.
Molecular consequence: missense variant.
Genome position (GRCh38, 1-based): chr1:150,511,148, T>G. VCF-style: chr1-150511148-T-G. GRCh37 (hg19) VCF-style: chr1-150483624-T-G.
Other names: c.739T>G, p.Cys247Gly (NM_001202858.2); c.658T>G, p.Cys220Gly (NM_022664.3); short protein forms C220G, C247G.
Identifiers: ClinVar variation 222948 (VCV000222948.4), dbSNP rs869025566, ClinGen allele CA356971.